The following is an entry in ClinVar:

NM_138927.4(SON):c.1333C>T (p.Pro445Ser)

Gene: SON (SON DNA and RNA binding protein; plus strand). Cytogenetic location: 21q22.11.
Variant type: single nucleotide variant.
Coding change: c.1333C>T on transcript NM_138927.4 (MANE Select); coding-DNA position 1333, C replaced by T.
Protein change: p.Pro445Ser; replaces proline 445 with serine.
Molecular consequence: missense variant. On other transcripts: non-coding transcript variant (1), intron variant (1).
Genome position (GRCh38, 1-based): chr21:33,550,564, C>T. VCF-style: chr21-33550564-C-T. GRCh37 (hg19) VCF-style: chr21-34922870-C-T.
Other names: c.1333C>T, p.Pro445Ser (NM_001291411.2, NM_001412133.1, NM_032195.3 and 2 more transcripts); c.244+4185C>T (NM_001291412.3); short protein forms P445S.
Identifiers: ClinVar variation 2635969 (VCV002635969.1), dbSNP rs1445356758, ClinGen allele CA410153596.

ClinVar aggregate classification (germline): Uncertain significance (1 of 4 stars; one submission).

Conditions:
SON-related disorder. Also called: SON-related condition.

Allele frequency attached by ClinVar (database versions not stated): TOPMed below 0.00001; gnomAD exomes 0.00001.
gnomAD v4.1: 11 of 1,613,710 alleles (0.00068%); highest among the groups gnomAD compares: Non-Finnish European, 0.00093%; no homozygotes.

Submission:

PreventionGenetics, part of Exact Sciences
Classification: Uncertain significance for SON-related condition. Last evaluated: 2023-06-16. Review status: criteria provided, single submitter. Criteria: ACMG Guidelines, 2015. Collection method: clinical testing. Allele origin: germline.
Comment: The SON c.1333C>T variant is predicted to result in the amino acid substitution p.Pro445Ser. To our knowledge, this variant has not been reported in the literature. This variant is reported in 0.00088% of alleles in individuals of European (Non-Finnish) descent in gnomAD. At this time, the clinical significance of this variant is uncertain due to the absence of conclusive functional and genetic evidence.